The following is an entry in ClinVar:

NM_004415.4(DSP):c.3935C>G (p.Ser1312Cys)

Gene: DSP (desmoplakin; plus strand). Cytogenetic location: 6p24.3.
Variant type: single nucleotide variant.
Coding change: c.3935C>G on transcript NM_004415.4 (MANE Select); coding-DNA position 3935, C replaced by G.
Protein change: p.Ser1312Cys; replaces serine 1312 with cysteine.
Molecular consequence: missense variant. On other transcripts: intron variant (1).
Genome position (GRCh38, 1-based): chr6:7,580,125, C>G. VCF-style: chr6-7580125-C-G. GRCh37 (hg19) VCF-style: chr6-7580358-C-G.
Other names: c.3935C>G, p.Ser1312Cys (NM_001319034.2); c.3582+353C>G (NM_001008844.3); short protein forms S1312C.
Identifiers: ClinVar variation 517658 (VCV000517658.5), dbSNP rs1554108214, ClinGen allele CA362685179.

ClinVar aggregate classification (germline): Uncertain significance (1 of 4 stars; one submission).

Submission:

Laboratory for Molecular Medicine, Mass General Brigham Personalized Medicine
Classification: Uncertain significance. Last evaluated: 2017-12-22. Review status: criteria provided, single submitter. Criteria: LMM Criteria. Collection method: clinical testing. Allele origin: germline. Observed: 1 variant allele.
Comment: The p.Ser1312Cys variant in DSP has not been previously reported in individuals with cardiomyopathy and was absent from large population studies. Computational prediction tools and conservation analysis do not provide strong support for or against an impact to the protein. In summary, the clinical significance of the p .Ser1312Cys variant is uncertain. ACMG/AMP Criteria applied: PM2.